The following is an entry in ClinVar:

ClinVar aggregate classification (germline): Uncertain significance (1 of 4 stars; one submission).

Conditions:
Dyskeratosis congenita, autosomal recessive 6 (DKCB6). Identifiers: MedGen C4225356, MONDO:0014600, OMIM 616353.
Pulmonary fibrosis and/or bone marrow failure, Telomere-related, 4. Also called: PULMONARY FIBROSIS AND/OR BONE MARROW FAILURE SYNDROME, TELOMERE-RELATED, 4. Identifiers: Orphanet 2032, MedGen C4225347, MONDO:0014612, OMIM 616371.

gnomAD v4.1: 4 of 1,594,776 alleles (0.00025%); highest among the groups gnomAD compares: South Asian, 0.0011%; no homozygotes.

Submission:

Labcorp Genetics (formerly Invitae), Labcorp
Classification: Uncertain significance for Dyskeratosis congenita, autosomal recessive 6; Pulmonary fibrosis and/or bone marrow failure, Telomere-related, 4. Last evaluated: 2025-12-09. Review status: criteria provided, single submitter. Criteria: Invitae Variant Classification Sherloc (09022015). Collection method: clinical testing. Allele origin: germline.
Comment: This sequence change replaces tyrosine, which is neutral and polar, with cysteine, which is neutral and slightly polar, at codon 83 of the PARN protein (p.Tyr83Cys). This variant is present in population databases (rs766039146, gnomAD 0.003%). This variant has not been reported in the literature in individuals affected with PARN-related conditions. An algorithm developed to predict the effect of missense changes on protein structure and function (PolyPhen-2) suggests that this variant is likely to be disruptive. In summary, the available evidence is currently insufficient to determine the role of this variant in disease. Therefore, it has been classified as a Variant of Uncertain Significance.

NM_002582.4(PARN):c.248A>G (p.Tyr83Cys)

Gene: PARN (poly(A)-specific ribonuclease; minus strand). Cytogenetic location: 16p13.12.
Variant type: single nucleotide variant.
Coding change: c.248A>G on transcript NM_002582.4 (MANE Select); coding-DNA position 248, A replaced by G.
Protein change: p.Tyr83Cys; replaces tyrosine 83 with cysteine.
Molecular consequence: missense variant. On other transcripts: intron variant (1).
Genome position (GRCh38, 1-based): chr16:14,627,185, T>C on the plus strand (A>G on the coding strand, the complement: PARN is on the minus strand). VCF-style: chr16-14627185-T-C. GRCh37 (hg19) VCF-style: chr16-14721042-T-C.
Other names: c.65A>G, p.Tyr22Cys (NM_001134477.3); c.159-49A>G (NM_001242992.2); short protein forms Y22C, Y83C.
Identifiers: ClinVar variation 4786909 (VCV004786909.1).